The following is an entry in ClinVar:

ClinVar aggregate classification (germline): Conflicting classifications of pathogenicity. Review status: criteria provided, conflicting classifications (1 of 4 stars). 3 submissions from 3 submitters: Likely pathogenic (1); Uncertain significance (2). Last evaluated 2025-09-02.

Conditions:
3-methylcrotonyl-CoA carboxylase 2 deficiency. Also called: 3 alpha methylcrotonyl-CoA carboxylase 2 deficiency; 3 alpha methylcrotonylglycinuria 2; MCC 2 deficiency; Methylcrotonylglycinuria type 2; METHYLCROTONYLGLYCINURIA, TYPE II. Identifiers: Orphanet 6, MedGen C1859499, MONDO:0008862, OMIM 210210.

gnomAD v4.1: 4 of 1,613,280 alleles (0.00025%); highest among the groups gnomAD compares: Non-Finnish European, 0.00034%; no homozygotes.

Submissions (3):

Women's Health and Genetics/Laboratory Corporation of America, LabCorp
Classification: Uncertain significance. Last evaluated: 2025-09-02. Review status: criteria provided, single submitter. Criteria: LabCorp Variant Classification Summary - May 2015. Collection method: clinical testing. Allele origin: germline.
Comment: Variant summary: MCCC2 c.628G>A (p.Ala210Thr) results in a non-conservative amino acid change in the encoded protein sequence. Algorithms developed to predict the effect of missense changes on protein structure and function all suggest that this variant is likely to be disruptive. The variant was absent in 251364 control chromosomes. The available data on variant occurrences in the general population are insufficient to allow any conclusion about variant significance. To our knowledge, no occurrence of c.628G>A in individuals affected with MCCC2-related conditions and no experimental evidence demonstrating its impact on protein function have been reported. ClinVar contains an entry for this variant (Variation ID: 3703157). Based on the evidence outlined above, the variant was classified as uncertain significance.

GeneDx
Classification: Likely pathogenic. Last evaluated: 2025-03-11. Review status: criteria provided, single submitter. Criteria: GeneDx Variant Classification Process June 2021. Collection method: clinical testing. Allele origin: germline. Affected: yes.
Comment: Not observed at significant frequency in large population cohorts (gnomAD); In silico analysis supports that this missense variant has a deleterious effect on protein structure/function; Has not been previously published as pathogenic or benign to our knowledge

Labcorp Genetics (formerly Invitae), Labcorp
Classification: Uncertain significance for 3-methylcrotonyl-CoA carboxylase 2 deficiency. Last evaluated: 2024-09-23. Review status: criteria provided, single submitter. Criteria: Invitae Variant Classification Sherloc (09022015). Collection method: clinical testing. Allele origin: germline.
Comment: This sequence change replaces alanine, which is neutral and non-polar, with threonine, which is neutral and polar, at codon 210 of the MCCC2 protein (p.Ala210Thr). This variant is not present in population databases (gnomAD no frequency). This variant has not been reported in the literature in individuals affected with MCCC2-related conditions. Invitae Evidence Modeling of protein sequence and biophysical properties (such as structural, functional, and spatial information, amino acid conservation, physicochemical variation, residue mobility, and thermodynamic stability) indicates that this missense variant is not expected to disrupt MCCC2 protein function with a negative predictive value of 80%. In summary, the available evidence is currently insufficient to determine the role of this variant in disease. Therefore, it has been classified as a Variant of Uncertain Significance.

NM_022132.5(MCCC2):c.628G>A (p.Ala210Thr)

Gene: MCCC2 (methylcrotonyl-CoA carboxylase subunit 2; plus strand). Cytogenetic location: 5q13.2.
Variant type: single nucleotide variant.
Coding change: c.628G>A on transcript NM_022132.5 (MANE Select); coding-DNA position 628, G replaced by A.
Protein change: p.Ala210Thr; replaces alanine 210 with threonine.
Molecular consequence: missense variant. On other transcripts: intron variant (1).
Genome position (GRCh38, 1-based): chr5:71,626,643, G>A. VCF-style: chr5-71626643-G-A. GRCh37 (hg19) VCF-style: chr5-70922470-G-A.
Other names: c.625-5478G>A (NM_001363147.1); c.628G>A (NM_022132.4); short protein forms A210T.
Identifiers: ClinVar variation 3703157 (VCV003703157.4).